The following is an entry in ClinVar:

NM_001039396.2(MPEG1):c.1339A>T (p.Thr447Ser)

Gene: MPEG1 (macrophage expressed 1; minus strand). Cytogenetic location: 11q12.1.
Variant type: single nucleotide variant.
Coding change: c.1339A>T on transcript NM_001039396.2 (MANE Select); coding-DNA position 1339, A replaced by T.
Protein change: p.Thr447Ser; replaces threonine 447 with serine.
Molecular consequence: missense variant.
Genome position (GRCh38, 1-based): chr11:59,211,527, T>A on the plus strand (A>T on the coding strand, the complement: MPEG1 is on the minus strand). VCF-style: chr11-59211527-T-A. GRCh37 (hg19) VCF-style: chr11-58979000-T-A.
Other names: c.1339A>T (NM_001039396.1); short protein forms T447S.
Identifiers: ClinVar variation 2641809 (VCV002641809.25), dbSNP rs374616457, ClinGen allele CA6017543.

ClinVar aggregate classification (germline): Conflicting classifications of pathogenicity. Review status: criteria provided, conflicting classifications (1 of 4 stars). 2 submissions from 2 submitters: Uncertain significance (1); Likely benign (1). Last evaluated 2024-08-20.

Allele frequency attached by ClinVar (database versions not stated): ExAC 0.00016; ESP Exome Variant Server 0.00016.

Submissions (2):

Ambry Genetics
Classification: Uncertain significance. Last evaluated: 2024-08-20. Review status: criteria provided, single submitter. Criteria: Ambry Variant Classification Scheme 2023. Collection method: clinical testing. Allele origin: germline.

CeGaT Center for Human Genetics Tuebingen
Classification: Likely benign. Last evaluated: 2023-03-01. Review status: criteria provided, single submitter. Criteria: CeGaT Center For Human Genetics Tuebingen Variant Classification Criteria Version 2. Collection method: clinical testing. Allele origin: germline. Affected: yes. Observed: 1 variant allele.
Comment: MPEG1: BP4